The following is an entry in ClinVar:

NM_198525.3(KIF7):c.3318+3G>A

Gene: KIF7 (kinesin family member 7; minus strand). Cytogenetic location: 15q26.1.
Variant type: single nucleotide variant.
Coding change: c.3318+3G>A on transcript NM_198525.3 (MANE Select); 3 bases into the intron after coding-DNA position 3318, G replaced by A.
Molecular consequence: intron variant.
Genome position (GRCh38, 1-based): chr15:89,630,284, C>T on the plus strand (G>A on the coding strand, the complement: KIF7 is on the minus strand). VCF-style: chr15-89630284-C-T. GRCh37 (hg19) VCF-style: chr15-90173515-C-T.
Identifiers: ClinVar variation 2156702 (VCV002156702.4), dbSNP rs770366525, ClinGen allele CA7727770.

ClinVar aggregate classification (germline): Uncertain significance (1 of 4 stars; one submission).

Conditions:
Acrocallosal syndrome (ACLS). Also called: HALLUX DUPLICATION, POSTAXIAL POLYDACTYLY, AND ABSENCE OF CORPUS CALLOSUM; Schinzel syndrome 1; Absence of corpus callosum with unusual facial appearance, mental deficiency, duplication of the halluces and polydactyly. Identifiers: Orphanet 36, MedGen C0796147, MONDO:0008708, OMIM 200990.

Allele frequency attached by ClinVar (database versions not stated): ExAC 0.00001; gnomAD exomes 0.00001; TOPMed 0.00001.
gnomAD v4.1: 8 of 1,614,026 alleles (0.0005%); highest among the groups gnomAD compares: Middle Eastern, 0.033%; no homozygotes.

Submission:

Labcorp Genetics (formerly Invitae), Labcorp
Classification: Uncertain significance for Acrocallosal syndrome. Last evaluated: 2022-07-19. Review status: criteria provided, single submitter. Criteria: Invitae Variant Classification Sherloc (09022015). Collection method: clinical testing. Allele origin: germline.
Comment: This variant has not been reported in the literature in individuals affected with KIF7-related conditions. In summary, the available evidence is currently insufficient to determine the role of this variant in disease. Therefore, it has been classified as a Variant of Uncertain Significance. Variants that disrupt the consensus splice site are a relatively common cause of aberrant splicing (PMID: 17576681, 9536098). Algorithms developed to predict the effect of sequence changes on RNA splicing suggest that this variant is not likely to affect RNA splicing. This variant is present in population databases (rs770366525, gnomAD 0.003%). This sequence change falls in intron 16 of the KIF7 gene. It does not directly change the encoded amino acid sequence of the KIF7 protein. It affects a nucleotide within the consensus splice site.

Literature cited by the submitters: PubMed 17576681; PubMed 9536098.